The following is an entry in ClinVar:

NM_017617.5(NOTCH1):c.6940C>G (p.Leu2314Val)

Gene: NOTCH1 (notch receptor 1; minus strand). Cytogenetic location: 9q34.3.
Variant type: single nucleotide variant.
Coding change: c.6940C>G on transcript NM_017617.5 (MANE Select); coding-DNA position 6940, C replaced by G.
Protein change: p.Leu2314Val; replaces leucine 2314 with valine.
Molecular consequence: missense variant.
Genome position (GRCh38, 1-based): chr9:136,496,799, G>C on the plus strand (C>G on the coding strand, the complement: NOTCH1 is on the minus strand). VCF-style: chr9-136496799-G-C. GRCh37 (hg19) VCF-style: chr9-139391251-G-C.
Other names: short protein forms L2314V.
Identifiers: ClinVar variation 2921188 (VCV002921188.1), dbSNP rs2540421407, ClinGen allele CA375629685.
Genomic context (GRCh38, chr9:136,496,799, plus strand): 5'-GGCCTGGTGCCACACTCCCCCGCAGAGGGTTGTATTGGTTCGGCACCATGCCGCTCTGCA[G>C]CCGGGACAGCCACTCGCATTGACCATTCAAACTGGTGGACCCGCCCACAGTGAAATTCAG-3'
Protein context (NP_060087.3, residues 2304-2324): LNGQCEWLSR[Leu2314Val]QSGMVPNQYN

ClinVar aggregate classification (germline): Uncertain significance (1 of 4 stars; one submission).

Allele frequency attached by ClinVar (database versions not stated): gnomAD exomes below 0.00001.
gnomAD v4.1: 1 of 1,612,924 alleles (0.000062%); highest among the groups gnomAD compares: Non-Finnish European, 0.000085%; no homozygotes.

Submission:

ARUP Laboratories, Molecular Genetics and Genomics, ARUP Laboratories
Classification: Uncertain significance. Last evaluated: 2023-06-20. Review status: criteria provided, single submitter. Criteria: ARUP Molecular Germline Variant Investigation Process 2024. Collection method: clinical testing. Allele origin: germline.
Comment: The NOTCH1 c.6940C>G; p.Leu2314Val variant, to our knowledge, is not reported in the medical literature or gene specific databases. This variant is also absent from the Genome Aggregation Database, indicating it is not a common polymorphism. Computational analyses are uncertain whether this variant is neutral or deleterious (REVEL: 0.229). Due to limited information, the clinical significance of this variant is uncertain at this time.